The following is an entry in ClinVar:

ClinVar aggregate classification (germline): Likely benign. Review status: criteria provided, multiple submitters, no conflicts (2 of 4 stars). 3 submissions from 3 submitters: Likely benign (3). Last evaluated 2025-12-21.

Conditions:
Inborn genetic diseases. Identifiers: MedGen C0950123, MeSH D030342.
Pitt-Hopkins-like syndrome 2 (PTHSL2). Identifiers: Orphanet 221150, Orphanet 600663, MedGen C3280479, MONDO:0013690, OMIM 614325.

Allele frequency attached by ClinVar (database versions not stated): ExAC 0.00012; ESP Exome Variant Server 0.00016; gnomAD 0.00045; TOPMed 0.00054; 1000 Genomes Project 30x 0.00078.
gnomAD v4.1: 154 of 1,591,276 alleles (0.0097%); highest among the groups gnomAD compares: African/African-American, 0.15%; 2 homozygotes.

Submissions (3):

Labcorp Genetics (formerly Invitae), Labcorp
Classification: Likely benign for Pitt-Hopkins-like syndrome 2. Last evaluated: 2025-12-21. Review status: criteria provided, single submitter. Criteria: Invitae Variant Classification Sherloc (09022015). Collection method: clinical testing. Allele origin: germline.

GeneDx
Classification: Likely benign. Last evaluated: 2017-09-28. Review status: criteria provided, single submitter. Criteria: GeneDx Variant Classification (06012015). Collection method: clinical testing. Allele origin: germline. Affected: yes.
Comment: This variant is considered likely benign or benign based on one or more of the following criteria: it is a conservative change, it occurs at a poorly conserved position in the protein, it is predicted to be benign by multiple in silico algorithms, and/or has population frequency not consistent with disease.

Ambry Genetics
Classification: Likely benign for Inborn genetic diseases. Last evaluated: 2016-11-01. Review status: criteria provided, single submitter. Criteria: Ambry Variant Classification Scheme 2023. Collection method: clinical testing. Allele origin: germline.

NM_001330078.2(NRXN1):c.723C>G (p.Ala241=)

Gene: NRXN1 (neurexin 1; minus strand). Cytogenetic location: 2p16.3.
Variant type: single nucleotide variant.
Coding change: c.723C>G on transcript NM_001330078.2 (MANE Select); coding-DNA position 723, C replaced by G.
Protein change: p.Ala241=; no amino-acid change (alanine 241 retained).
Molecular consequence: synonymous variant.
Genome position (GRCh38, 1-based): chr2:51,027,551, G>C on the plus strand (C>G on the coding strand, the complement: NRXN1 is on the minus strand). VCF-style: chr2-51027551-G-C. GRCh37 (hg19) VCF-style: chr2-51254689-G-C.
Other names: c.723C>G, p.Ala241= (NM_001135659.3, NM_001330077.2, NM_001330079.2 and 15 more transcripts).
Identifiers: ClinVar variation 378284 (VCV000378284.16), dbSNP rs200153066, ClinGen allele CA1655425.
Genomic context (GRCh38, chr2:51,027,551, plus strand): 5'-TCGGGCCTTACCTTGGCTGCAGTCCTTGCCGCGGAAGCCGGTTCGCGAGCAGTCGCACAC[G>C]GCCTGGTCGTCCACCACGGAGCACACACCTCCGTTGAGGCACACCCCGCCCTCGCCCTCC-3'
Protein context (NP_001317007.1, residues 231-251): GGVCSVVDDQ[Ala241=]VCDCSRTGFR